The following is an entry in ClinVar:

ClinVar aggregate classification (germline): Likely pathogenic (1 of 4 stars; one submission).

Submission:

GeneDx
Classification: Likely pathogenic. Last evaluated: 2026-07-16. Review status: criteria provided, single submitter. Criteria: GeneDx Variant Classification Process June 2021. Collection method: clinical testing. Allele origin: germline.
Comment: Not observed at significant frequency in large population cohorts (gnomAD); In silico analysis supports that this missense variant has a deleterious effect on protein structure/function; This variant is associated with the following publications: (PMID: 32736638, 24077912, 22696272, 23587214)

NM_000093.5(COL5A1):c.3413G>A (p.Gly1138Glu)

Gene: COL5A1 (collagen type V alpha 1 chain; plus strand). Cytogenetic location: 9q34.3.
Variant type: single nucleotide variant.
Coding change: c.3413G>A on transcript NM_000093.5 (MANE Select); coding-DNA position 3413, G replaced by A.
Protein change: p.Gly1138Glu; replaces glycine 1138 with glutamic acid.
Molecular consequence: missense variant.
Genome position (GRCh38, 1-based): chr9:134,809,229, G>A. VCF-style: chr9-134809229-G-A. GRCh37 (hg19) VCF-style: chr9-137701075-G-A.
Other names: c.3413G>A, p.Gly1138Glu (NM_001278074.1); short protein forms G1138E.
Identifiers: ClinVar variation 1703934 (VCV001703934.3), dbSNP rs2490810566, ClinGen allele CA375452955.